The following is an entry in ClinVar:

ClinVar aggregate classification (germline): Uncertain significance. Review status: criteria provided, multiple submitters, no conflicts (2 of 4 stars). 2 submissions from 2 submitters: Uncertain significance (2). Last evaluated 2022-07-30.

Conditions:
Inborn genetic diseases. Identifiers: MedGen C0950123, MeSH D030342.
Epidermolysis bullosa simplex 3, localized or generalized intermediate, with BP230 deficiency (EBS3). Also called: Epidermolysis bullosa simplex due to BP230 deficiency; Epidermolysis bullosa simplex, autosomal recessive 2. Identifiers: Orphanet 412181, MedGen C3809470, MONDO:0014180, OMIM 615425.
Hereditary sensory and autonomic neuropathy type 6. Also called: HSAN VI; Neuropathy, hereditary sensory and autonomic, type VI. Identifiers: Orphanet 314381, MedGen C3539003, MONDO:0013839, OMIM 614653.

Allele frequency attached by ClinVar (database versions not stated): gnomAD exomes 0.00001.
gnomAD v4.1: 14 of 1,612,600 alleles (0.00087%); highest among the groups gnomAD compares: Non-Finnish European, 0.0012%; no homozygotes.

Submissions (2):

Labcorp Genetics (formerly Invitae), Labcorp
Classification: Uncertain significance for Epidermolysis bullosa simplex 3, localized or generalized intermediate, with BP230 deficiency; Hereditary sensory and autonomic neuropathy type 6. Last evaluated: 2022-07-30. Review status: criteria provided, single submitter. Criteria: Invitae Variant Classification Sherloc (09022015). Collection method: clinical testing. Allele origin: germline.
Comment: The DST gene has multiple clinically relevant transcripts. This variant occurs in alternate transcript NM_015548.4, and corresponds to NM_001723.5:c.*46999A>C in the primary transcript. This sequence change replaces leucine, which is neutral and non-polar, with phenylalanine, which is neutral and non-polar, at codon 2029 of the DST protein (p.Leu2029Phe). This variant is present in population databases (no rsID available, gnomAD 0.002%). This variant has not been reported in the literature in individuals affected with DST-related conditions. Experimental studies and prediction algorithms are not available or were not evaluated, and the functional significance of this variant is currently unknown. In summary, the available evidence is currently insufficient to determine the role of this variant in disease. Therefore, it has been classified as a Variant of Uncertain Significance.

Ambry Genetics
Classification: Uncertain significance for Inborn genetic diseases. Last evaluated: 2021-12-09. Review status: criteria provided, single submitter. Criteria: Ambry Variant Classification Scheme 2023. Collection method: clinical testing. Allele origin: germline.
Comment: The p.L2533F variant (also known as c.7599A>C), located in coding exon 49 of the DST gene, results from an A to C substitution at nucleotide position 7599. The leucine at codon 2533 is replaced by phenylalanine, an amino acid with highly similar properties. This amino acid position is highly conserved in available vertebrate species. In addition, the in silico prediction for this alteration is inconclusive. Since supporting evidence is limited at this time, the clinical significance of this alteration remains unclear.

NM_001374736.1(DST):c.13956A>C (p.Leu4652Phe)

Gene: DST (dystonin; minus strand). Cytogenetic location: 6p12.1.
Variant type: single nucleotide variant.
Coding change: c.13956A>C on transcript NM_001374736.1 (MANE Select); coding-DNA position 13956, A replaced by C.
Protein change: p.Leu4652Phe; replaces leucine 4652 with phenylalanine.
Molecular consequence: missense variant.
Genome position (GRCh38, 1-based): chr6:56,568,518, T>G on the plus strand (A>C on the coding strand, the complement: DST is on the minus strand). VCF-style: chr6-56568518-T-G. GRCh37 (hg19) VCF-style: chr6-56433316-T-G.
Other names: c.7599A>C, p.Leu2533Phe (NM_001144769.5); c.7185A>C, p.Leu2395Phe (NM_001144770.2); c.13956A>C, p.Leu4652Phe (NM_001374722.1); c.13323A>C, p.Leu4441Phe (NM_001374729.1); c.7065A>C, p.Leu2355Phe (NM_001374730.1, NM_001386100.1, NM_183380.4); c.13983A>C, p.Leu4661Phe (NM_001374734.1); c.6087A>C, p.Leu2029Phe (NM_015548.5); short protein forms L4441F, L2533F, L2355F, L4652F, L2029F, L2395F, L4661F.
Identifiers: ClinVar variation 1759677 (VCV001759677.4), dbSNP rs1361273933, ClinGen allele CA364524820.
Genomic context (GRCh38, chr6:56,568,518, plus strand): 5'-AAAGCTCATACCTGATTTAACTGCTGCTATTGCCTTTGCAGGGGTGGTCACAGCACTTAT[T>G]AAGTTACATAGTGAGATCCCACTGTTGTTTACTTTCTGAATCTCTGGTGTTTTTAAACTC-3'
Protein context (NP_001361665.1, residues 4642-4662): VNNSGISLCN[Leu4652Phe]ISAVTTPAKA